The following is an entry in ClinVar:

ClinVar aggregate classification (germline): Likely benign (1 of 4 stars; one submission).

Conditions:
KSR2-related disorder. Also called: KSR2-related condition.

gnomAD v4.1: 12 of 1,598,814 alleles (0.00075%); highest among the groups gnomAD compares: East Asian, 0.016%; no homozygotes.

Submission:

PreventionGenetics, part of Exact Sciences
Classification: Likely benign for KSR2-related condition. Last evaluated: 2025-04-02. Review status: criteria provided, single submitter. Criteria: ACMG Guidelines, 2015. Collection method: clinical testing. Allele origin: germline.
Comment: This variant is classified as likely benign based on ACMG/AMP sequence variant interpretation guidelines (Richards et al. 2015 PMID: 25741868, with internal and published modifications).

NM_173598.6(KSR2):c.627T>C (p.Tyr209=)

Gene: KSR2 (kinase suppressor of ras 2; minus strand). Cytogenetic location: 12q24.23.
Variant type: single nucleotide variant.
Coding change: c.627T>C on transcript NM_173598.6 (MANE Select); coding-DNA position 627, T replaced by C.
Protein change: p.Tyr209=; no amino-acid change (tyrosine 209 retained).
Molecular consequence: synonymous variant.
Genome position (GRCh38, 1-based): chr12:117,761,370, A>G on the plus strand (T>C on the coding strand, the complement: KSR2 is on the minus strand). VCF-style: chr12-117761370-A-G. GRCh37 (hg19) VCF-style: chr12-118199175-A-G.
Identifiers: ClinVar variation 4981752 (VCV004981752.1).